The following is an entry in ClinVar:

ClinVar aggregate classification (germline): Pathogenic. Review status: criteria provided, multiple submitters, no conflicts (2 of 4 stars). 2 submissions from 2 submitters: Pathogenic (2). Last evaluated 2021-07-01.

Conditions:
ABCC8-related disorder.

Allele frequency attached by ClinVar (database versions not stated): TOPMed below 0.00001; gnomAD 0.00001; gnomAD exomes 0.00001.
gnomAD v4.1: 10 of 1,583,456 alleles (0.00063%); highest among the groups gnomAD compares: Admixed American, 0.0018%; no homozygotes.

Submissions (2):

Blueprint Genetics
Classification: Pathogenic for ABCC8-related disorders. Last evaluated: 2021-07-01. Review status: criteria provided, single submitter. Criteria: ACMG Guidelines, 2015. Collection method: clinical testing. Allele origin: germline. Affected: yes. Observed: 1 variant allele.

Labcorp Genetics (formerly Invitae), Labcorp
Classification: Pathogenic. Last evaluated: 2020-01-18. Review status: criteria provided, single submitter. Criteria: Invitae Variant Classification Sherloc (09022015). Collection method: clinical testing. Allele origin: germline.
Comment: For these reasons, this variant has been classified as Pathogenic. Loss-of-function variants in ABCC8 are known to be pathogenic (PMID: 20685672, 23345197). Algorithms developed to predict the effect of sequence changes on RNA splicing suggest that this variant may create or strengthen a splice site, but this prediction has not been confirmed by published transcriptional studies. This variant has been observed in individual(s) with congenital hyperinsulinism (PMID: 20685672, 30352420). This variant is not present in population databases (ExAC no frequency). This sequence change creates a premature translational stop signal (p.Trp143*) in the ABCC8 gene. It is expected to result in an absent or disrupted protein product.

Literature cited by the submitters: PubMed 20685672 (cited by Labcorp Genetics (formerly Invitae), Labcorp); PubMed 23345197 (cited by Labcorp Genetics (formerly Invitae), Labcorp); PubMed 30352420 (cited by Labcorp Genetics (formerly Invitae), Labcorp).

NM_000352.6(ABCC8):c.428G>A (p.Trp143Ter)

Gene: ABCC8 (ATP binding cassette subfamily C member 8; minus strand). Cytogenetic location: 11p15.1.
Variant type: single nucleotide variant.
Coding change: c.428G>A on transcript NM_000352.6 (MANE Select); coding-DNA position 428, G replaced by A.
Protein change: p.Trp143Ter; replaces tryptophan 143 with a stop codon.
Molecular consequence: nonsense. On other transcripts: non-coding transcript variant (1).
Genome position (GRCh38, 1-based): chr11:17,463,589, C>T on the plus strand (G>A on the coding strand, the complement: ABCC8 is on the minus strand). VCF-style: chr11-17463589-C-T. GRCh37 (hg19) VCF-style: chr11-17485136-C-T.
Other names: c.428G>A, p.Trp143Ter (NM_001287174.3, NM_001351295.2, NM_001351296.2 and 1 more transcripts); short protein forms W143*.
Identifiers: ClinVar variation 1073214 (VCV001073214.10), dbSNP rs1395990892, ClinGen allele CA379780529.